The following is an entry in ClinVar:

NM_032273.4(TMEM126A):c.350A>T (p.Tyr117Phe)

Gene: TMEM126A (transmembrane protein 126A; plus strand). Cytogenetic location: 11q14.1.
Variant type: single nucleotide variant.
Coding change: c.350A>T on transcript NM_032273.4 (MANE Select); coding-DNA position 350, A replaced by T.
Protein change: p.Tyr117Phe; replaces tyrosine 117 with phenylalanine.
Molecular consequence: missense variant.
Genome position (GRCh38, 1-based): chr11:85,655,663, A>T. VCF-style: chr11-85655663-A-T. GRCh37 (hg19) VCF-style: chr11-85366707-A-T.
Other names: c.140A>T, p.Tyr47Phe (NM_001244735.2); short protein forms Y47F, Y117F.
Identifiers: ClinVar variation 1437553 (VCV001437553.8), dbSNP rs764353964, ClinGen allele CA381996879.

ClinVar aggregate classification (germline): Uncertain significance (1 of 4 stars; one submission).

Submission:

Labcorp Genetics (formerly Invitae), Labcorp
Classification: Uncertain significance. Last evaluated: 2022-03-10. Review status: criteria provided, single submitter. Criteria: Invitae Variant Classification Sherloc (09022015). Collection method: clinical testing. Allele origin: germline.
Comment: This variant has not been reported in the literature in individuals affected with TMEM126A-related conditions. This variant is not present in population databases (gnomAD no frequency). This sequence change replaces tyrosine, which is neutral and polar, with phenylalanine, which is neutral and non-polar, at codon 117 of the TMEM126A protein (p.Tyr117Phe). In summary, the available evidence is currently insufficient to determine the role of this variant in disease. Therefore, it has been classified as a Variant of Uncertain Significance. Algorithms developed to predict the effect of missense changes on protein structure and function are either unavailable or do not agree on the potential impact of this missense change (SIFT: "Deleterious"; PolyPhen-2: "Benign"; Align-GVGD: "Class C15").